The following is an entry in ClinVar:

NM_006949.4(STXBP2):c.160G>A (p.Gly54Ser)

Gene: STXBP2 (syntaxin binding protein 2; plus strand). Cytogenetic location: 19p13.2.
Variant type: single nucleotide variant.
Coding change: c.160G>A on transcript NM_006949.4 (MANE Select); coding-DNA position 160, G replaced by A.
Protein change: p.Gly54Ser; replaces glycine 54 with serine.
Molecular consequence: missense variant. On other transcripts: non-coding transcript variant (1).
Genome position (GRCh38, 1-based): chr19:7,639,091, G>A. VCF-style: chr19-7639091-G-A. GRCh37 (hg19) VCF-style: chr19-7703977-G-A.
Other names: c.160G>A, p.Gly54Ser (NM_001127396.3, NM_001272034.2); c.64G>A, p.Gly22Ser (NM_001414484.1); short protein forms G22S, G54S.
Identifiers: ClinVar variation 4766999 (VCV004766999.1).
Genomic context (GRCh38, chr19:7,639,091, plus strand): 5'-GATCACCCAAGCATGCGCATCTTGTCTTCCTGCTGCAAAATGTCAGATATCCTGGCTGAG[G>A]GCATCACCAGTGAGTGAACGCGTCCCCAGTGAGATGGGACCTGAGCGTGGGAACCCCTGA-3'
Protein context (NP_008880.2, residues 44-64): CCKMSDILAE[Gly54Ser]ITIVEDINKR

ClinVar aggregate classification (germline): Uncertain significance (1 of 4 stars; one submission).

Conditions:
Familial hemophagocytic lymphohistiocytosis 5. Also called: STXBP2-Related Familial Hemophagocytic Lymphohistiocytosis (STXBP2-fHLH). Identifiers: Orphanet 540, MedGen C2751293, MONDO:0013135, OMIM 613101.

Submission:

Labcorp Genetics (formerly Invitae), Labcorp
Classification: Uncertain significance for Familial hemophagocytic lymphohistiocytosis 5. Last evaluated: 2026-01-11. Review status: criteria provided, single submitter. Criteria: Invitae Variant Classification Sherloc (09022015). Collection method: clinical testing. Allele origin: germline.
Comment: This sequence change replaces glycine, which is neutral and non-polar, with serine, which is neutral and polar, at codon 54 of the STXBP2 protein (p.Gly54Ser). This variant is not present in population databases (gnomAD no frequency). This variant has not been reported in the literature in individuals affected with STXBP2-related conditions. Invitae Evidence Modeling of protein sequence and biophysical properties (such as structural, functional, and spatial information, amino acid conservation, physicochemical variation, residue mobility, and thermodynamic stability) indicates that this missense variant is expected to disrupt STXBP2 protein function with a positive predictive value of 95%. In summary, the available evidence is currently insufficient to determine the role of this variant in disease. Therefore, it has been classified as a Variant of Uncertain Significance.